The following is an entry in ClinVar:

NM_002608.4(PDGFB):c.691G>T (p.Asp231Tyr)

Gene: PDGFB (platelet derived growth factor subunit B; minus strand). Cytogenetic location: 22q13.1.
Variant type: single nucleotide variant.
Coding change: c.691G>T on transcript NM_002608.4 (MANE Select); coding-DNA position 691, G replaced by T.
Protein change: p.Asp231Tyr; replaces aspartic acid 231 with tyrosine.
Molecular consequence: missense variant.
Genome position (GRCh38, 1-based): chr22:39,225,758, C>A on the plus strand (G>T on the coding strand, the complement: PDGFB is on the minus strand). VCF-style: chr22-39225758-C-A. GRCh37 (hg19) VCF-style: chr22-39621763-C-A.
Other names: c.646G>T, p.Asp216Tyr (NM_033016.3); short protein forms D216Y, D231Y.
Identifiers: ClinVar variation 2724253 (VCV002724253.3), dbSNP rs1180723064, ClinGen allele CA411598202.

ClinVar aggregate classification (germline): Uncertain significance (1 of 4 stars; one submission).

Allele frequency attached by ClinVar (database versions not stated): gnomAD 0.00001; gnomAD exomes 0.00002; TOPMed below 0.00001.
gnomAD v4.1: 10 of 1,614,062 alleles (0.00062%); highest among the groups gnomAD compares: Admixed American, 0.0067%; no homozygotes.

Submission:

Labcorp Genetics (formerly Invitae), Labcorp
Classification: Uncertain significance. Last evaluated: 2025-02-24. Review status: criteria provided, single submitter. Criteria: Invitae Variant Classification Sherloc (09022015). Collection method: clinical testing. Allele origin: germline.
Comment: This sequence change replaces aspartic acid, which is acidic and polar, with tyrosine, which is neutral and polar, at codon 231 of the PDGFB protein (p.Asp231Tyr). This variant is present in population databases (no rsID available, gnomAD 0.006%). This variant has not been reported in the literature in individuals affected with PDGFB-related conditions. ClinVar contains an entry for this variant (Variation ID: 2724253). An algorithm developed to predict the effect of missense changes on protein structure and function (PolyPhen-2) suggests that this variant is likely to be disruptive. In summary, the available evidence is currently insufficient to determine the role of this variant in disease. Therefore, it has been classified as a Variant of Uncertain Significance.